The following is an entry in ClinVar:

ClinVar aggregate classification (germline): Pathogenic (1 of 4 stars; one submission).

Conditions:
Amelocerebrohypohidrotic syndrome (KTZS). Also called: EPILEPSY AND YELLOW TEETH; EPILEPSY, DEMENTIA, AND AMELOGENESIS IMPERFECTA; KOHLSCHUTTER SYNDROME; Kohlschutter's syndrome. Identifiers: Orphanet 1946, MedGen C0406740, MONDO:0009185, OMIM 226750.

gnomAD v4.1: 1 of 1,613,720 alleles (0.000062%); highest among the groups gnomAD compares: Non-Finnish European, 0.000085%; no homozygotes.

Submission:

Labcorp Genetics (formerly Invitae), Labcorp
Classification: Pathogenic for Amelocerebrohypohidrotic syndrome. Last evaluated: 2025-05-17. Review status: criteria provided, single submitter. Criteria: Invitae Variant Classification Sherloc (09022015). Collection method: clinical testing. Allele origin: germline.
Comment: This sequence change creates a premature translational stop signal (p.Tyr134*) in the ROGDI gene. It is expected to result in an absent or disrupted protein product. Loss-of-function variants in ROGDI are known to be pathogenic (PMID: 22424600, 23086778). This variant is not present in population databases (gnomAD no frequency). This premature translational stop signal has been observed in individual(s) with autosomal recessive Kohlschutter syndrome (PMID: 29153277, 37228816). For these reasons, this variant has been classified as Pathogenic.

Literature cited by the submitters: PubMed 22424600; PubMed 23086778; PubMed 29153277; PubMed 37228816.

NM_024589.3(ROGDI):c.402C>G (p.Tyr134Ter)

Gene: ROGDI (rogdi atypical leucine zipper; minus strand). Cytogenetic location: 16p13.3.
Variant type: single nucleotide variant.
Coding change: c.402C>G on transcript NM_024589.3 (MANE Select); coding-DNA position 402, C replaced by G.
Protein change: p.Tyr134Ter; replaces tyrosine 134 with a stop codon.
Molecular consequence: nonsense. On other transcripts: non-coding transcript variant (1).
Genome position (GRCh38, 1-based): chr16:4,799,716, G>C on the plus strand (C>G on the coding strand, the complement: ROGDI is on the minus strand). VCF-style: chr16-4799716-G-C. GRCh37 (hg19) VCF-style: chr16-4849717-G-C.
Other names: short protein forms Y134*.
Identifiers: ClinVar variation 4710243 (VCV004710243.1).